The following is an entry in ClinVar:

NM_001374828.1(ARID1B):c.6814A>G (p.Ile2272Val)

Gene: ARID1B (AT-rich interaction domain 1B; plus strand). Cytogenetic location: 6q25.3.
Variant type: single nucleotide variant.
Coding change: c.6814A>G on transcript NM_001374828.1 (MANE Select); coding-DNA position 6814, A replaced by G.
Protein change: p.Ile2272Val; replaces isoleucine 2272 with valine.
Molecular consequence: missense variant.
Genome position (GRCh38, 1-based): chr6:157,207,586, A>G. VCF-style: chr6-157207586-A-G. GRCh37 (hg19) VCF-style: chr6-157528720-A-G.
Other names: c.6565A>G, p.Ile2189Val (NM_001346813.1); c.4315A>G, p.Ile1439Val (NM_001363725.2); c.6694A>G, p.Ile2232Val (NM_001371656.1, NM_001374820.1); c.6655A>G, p.Ile2219Val (NM_017519.3); c.6445A>G, p.Ile2149Val (NM_020732.3); c.6232A>G, p.Ile2078Val (NM_175863.2); short protein forms I1439V, I2189V, I2219V, I2149V, I2272V, I2078V, I2232V.
Identifiers: ClinVar variation 3020666 (VCV003020666.3), dbSNP rs1794562938, ClinGen allele CA366249113.

ClinVar aggregate classification (germline): Uncertain significance (1 of 4 stars; one submission).

Allele frequency attached by ClinVar (database versions not stated): gnomAD exomes below 0.00001.
gnomAD v4.1: 4 of 1,614,220 alleles (0.00025%); highest among the groups gnomAD compares: Non-Finnish European, 0.00034%; no homozygotes.

Submission:

Labcorp Genetics (formerly Invitae), Labcorp
Classification: Uncertain significance. Last evaluated: 2023-11-07. Review status: criteria provided, single submitter. Criteria: Invitae Variant Classification Sherloc (09022015). Collection method: clinical testing. Allele origin: germline.
Comment: This sequence change replaces isoleucine, which is neutral and non-polar, with valine, which is neutral and non-polar, at codon 2149 of the ARID1B protein (p.Ile2149Val). This variant is not present in population databases (gnomAD no frequency). This variant has not been reported in the literature in individuals affected with ARID1B-related conditions. Advanced modeling of protein sequence and biophysical properties (such as structural, functional, and spatial information, amino acid conservation, physicochemical variation, residue mobility, and thermodynamic stability) has been performed at Invitae for this missense variant, however the output from this modeling did not meet the statistical confidence thresholds required to predict the impact of this variant on ARID1B protein function. In summary, the available evidence is currently insufficient to determine the role of this variant in disease. Therefore, it has been classified as a Variant of Uncertain Significance.